The following is an entry in ClinVar:

ClinVar aggregate classification (germline): Likely pathogenic (1 of 4 stars; one submission).

Conditions:
Hypogonadotropic hypogonadism 26 with or without anosmia (HH26). Identifiers: MedGen C5676903, MONDO:0030534, OMIM 619718.

Submission:

Laboratory of Medical Genetics, National & Kapodistrian University of Athens
Classification: Likely pathogenic for Hypogonadotropic hypogonadism 26 with or without anosmia. Last evaluated: 2023-06-30. Review status: criteria provided, single submitter. Criteria: ACMG Guidelines, 2015. Collection method: clinical testing. Allele origin: germline. Affected: yes.
Comment: PVS1, PM2

NM_207037.2(TCF12):c.222+1G>A

Gene: TCF12 (transcription factor 12; plus strand). Cytogenetic location: 15q21.3.
Variant type: single nucleotide variant.
Coding change: c.222+1G>A on transcript NM_207037.2 (MANE Select); the canonical splice donor site of the intron after coding-DNA position 222, G replaced by A.
Molecular consequence: splice donor variant.
Genome position (GRCh38, 1-based): chr15:57,063,824, G>A. VCF-style: chr15-57063824-G-A. GRCh37 (hg19) VCF-style: chr15-57356022-G-A.
Other names: c.222+1G>A (NM_001322151.2, NM_001322159.3, NM_001322157.3 and 7 more transcripts); c.-15+1G>A (NM_001322156.2, NM_001322158.2); c.-431+1G>A (NM_001322154.2); c.258+1G>A (NM_001322164.2).
Identifiers: ClinVar variation 2572612 (VCV002572612.1), dbSNP rs2551047604, ClinGen allele CA392787271.